The following is an entry in ClinVar:

NM_001378418.1(TCF20):c.992A>G (p.Tyr331Cys)

Gene: TCF20 (transcription factor 20; minus strand). Cytogenetic location: 22q13.2.
Variant type: single nucleotide variant.
Coding change: c.992A>G on transcript NM_001378418.1 (MANE Select); coding-DNA position 992, A replaced by G.
Protein change: p.Tyr331Cys; replaces tyrosine 331 with cysteine.
Molecular consequence: missense variant.
Genome position (GRCh38, 1-based): chr22:42,214,314, T>C on the plus strand (A>G on the coding strand, the complement: TCF20 is on the minus strand). VCF-style: chr22-42214314-T-C. GRCh37 (hg19) VCF-style: chr22-42610320-T-C.
Other names: c.992A>G, p.Tyr331Cys (NM_005650.4, NM_181492.3); short protein forms Y331C.
Identifiers: ClinVar variation 2535504 (VCV002535504.2), dbSNP rs1386615321, ClinGen allele CA411791786.

ClinVar aggregate classification (germline): Uncertain significance (1 of 4 stars; one submission).

Conditions:
Inborn genetic diseases. Identifiers: MedGen C0950123, MeSH D030342.

Allele frequency attached by ClinVar (database versions not stated): gnomAD exomes below 0.00001.

Submission:

Ambry Genetics
Classification: Uncertain significance for Inborn genetic diseases. Last evaluated: 2023-05-23. Review status: criteria provided, single submitter. Criteria: Ambry Variant Classification Scheme 2023. Collection method: clinical testing. Allele origin: germline.
Comment: The c.992A>G (p.Y331C) alteration is located in exon 1 (coding exon 1) of the TCF20 gene. This alteration results from a A to G substitution at nucleotide position 992, causing the tyrosine (Y) at amino acid position 331 to be replaced by a cysteine (C). Based on data from gnomAD, the G allele has an overall frequency of 0.001% (2/251470) total alleles studied. The highest observed frequency was 0.003% (1/30612) of South Asian alleles. This amino acid position is well conserved in available vertebrate species. The in silico prediction for this alteration is inconclusive. Based on insufficient or conflicting evidence, the clinical significance of this alteration remains unclear.